The following is an entry in ClinVar:

NM_000066.4(C8B):c.71_74del (p.Cys24fs)

Gene: C8B (complement C8 beta chain; minus strand). Cytogenetic location: 1p32.2.
Variant type: Deletion.
Coding change: c.71_74del on transcript NM_000066.4 (MANE Select); coding-DNA positions 71 to 74, 4 bases deleted (GTCT; older notation c.71_74delGTCT).
Protein change: p.Cys24fs; shifts the reading frame from cysteine 24.
Molecular consequence: frameshift variant. On other transcripts: 5 prime UTR variant (2).
Genome position (GRCh38, 1-based): chr1:56,965,875-56,965,878, AGAC deleted on the plus strand (GTCT on the coding strand, the reverse complement: C8B is on the minus strand); deleting any 4 consecutive bases within chr1:56,965,875-56,965,880 gives the same sequence; the c. name uses the placement nearest the transcript's 3' end. VCF-style (leftmost placement, unchanged base first): chr1-56965874-GAGAC-G. GRCh37 (hg19) VCF-style: chr1-57431547-GAGAC-G.
Other names: c.-308_-305del (NM_001278543.2); c.-245_-242del (NM_001278544.2); short protein forms C24fs.
Identifiers: ClinVar variation 1959060 (VCV001959060.5), dbSNP rs780667562, ClinGen allele CA876126.

ClinVar aggregate classification (germline): Pathogenic (1 of 4 stars; one submission).

Submission:

Labcorp Genetics (formerly Invitae), Labcorp
Classification: Pathogenic. Last evaluated: 2024-07-31. Review status: criteria provided, single submitter. Criteria: Invitae Variant Classification Sherloc (09022015). Collection method: clinical testing. Allele origin: germline.
Comment: This sequence change creates a premature translational stop signal (p.Cys24Serfs*36) in the C8B gene. It is expected to result in an absent or disrupted protein product. Loss-of-function variants in C8B are known to be pathogenic (PMID: 7594510). This variant is present in population databases (rs780667562, gnomAD 0.008%). This variant has not been reported in the literature in individuals affected with C8B-related conditions. ClinVar contains an entry for this variant (Variation ID: 1959060). For these reasons, this variant has been classified as Pathogenic.

Literature cited by the submitters: PubMed 7594510.